The following is an entry in ClinVar:

NM_000037.4(ANK1):c.3656del (p.Thr1219fs)

Gene: ANK1 (ankyrin 1; minus strand). Cytogenetic location: 8p11.21.
Variant type: Deletion.
Coding change: c.3656del on transcript NM_000037.4 (MANE Select); coding-DNA position 3656, one base deleted (C; older notation c.3656delC).
Protein change: p.Thr1219fs; shifts the reading frame from threonine 1219.
Molecular consequence: frameshift variant.
Genome position (GRCh38, 1-based): chr8:41,692,850, G deleted on the plus strand (C on the coding strand, the reverse complement: ANK1 is on the minus strand). VCF-style (leftmost placement, unchanged base first): chr8-41692849-AG-A. GRCh37 (hg19) VCF-style: chr8-41550367-AG-A.
Other names: c.3779del, p.Thr1260fs (NM_001142446.2); c.3656del, p.Thr1219fs (NM_020475.3, NM_020476.3, NM_020477.3); short protein forms T1260fs, T1219fs.
Identifiers: ClinVar variation 2102377 (VCV002102377.4), dbSNP rs2486760820, ClinGen allele CA2580078286.

ClinVar aggregate classification (germline): Pathogenic (1 of 4 stars; one submission).

Submission:

Labcorp Genetics (formerly Invitae), Labcorp
Classification: Pathogenic. Last evaluated: 2022-02-23. Review status: criteria provided, single submitter. Criteria: Invitae Variant Classification Sherloc (09022015). Collection method: clinical testing. Allele origin: germline.
Comment: This variant has not been reported in the literature in individuals affected with ANK1-related conditions. This variant is not present in population databases (gnomAD no frequency). This sequence change creates a premature translational stop signal (p.Thr1219Metfs*5) in the ANK1 gene. It is expected to result in an absent or disrupted protein product. Loss-of-function variants in ANK1 are known to be pathogenic (PMID: 8640229). For these reasons, this variant has been classified as Pathogenic.

Literature cited by the submitters: PubMed 8640229.